The following is an entry in ClinVar:

NM_138576.4(BCL11B):c.529C>T (p.Leu177Phe)

Gene: BCL11B (BCL11 transcription factor B; minus strand). Cytogenetic location: 14q32.2.
Variant type: single nucleotide variant.
Coding change: c.529C>T on transcript NM_138576.4 (MANE Select); coding-DNA position 529, C replaced by T.
Protein change: p.Leu177Phe; replaces leucine 177 with phenylalanine.
Molecular consequence: missense variant. On other transcripts: intron variant (2).
Genome position (GRCh38, 1-based): chr14:99,231,456, G>A on the plus strand (C>T on the coding strand, the complement: BCL11B is on the minus strand). VCF-style: chr14-99231456-G-A. GRCh37 (hg19) VCF-style: chr14-99697793-G-A.
Other names: c.526C>T, p.Leu176Phe (NM_001282237.2); c.424+26015C>T (NM_001282238.2); c.427+26015C>T (NM_022898.3); short protein forms L176F, L177F.
Identifiers: ClinVar variation 2999347 (VCV002999347.3), dbSNP rs558453694, ClinGen allele CA7339869.
Genomic context (GRCh38, chr14:99,231,456, plus strand): 5'-GAGTCCCGTCACCCGAGACCGGGCGCGCGCTGCAGCACGGCAGGGGGAGGCAGGGCGGGA[G>A]AGCGCCCAGGGCACGCAGAGGTGAAGTGATCACGGATGAGTGAGGGTGGGAGGAGGCAGC-3'
Protein context (NP_612808.1, residues 167-187): ITSPLRALGA[Leu177Phe]PPCLPLPCCS

ClinVar aggregate classification (germline): Uncertain significance (1 of 4 stars; one submission).

Allele frequency attached by ClinVar (database versions not stated): gnomAD 0.00001; gnomAD exomes 0.00001; ExAC 0.00004; 1000 Genomes Project 30x 0.00016; 1000 Genomes Project 0.00020.
gnomAD v4.1: 16 of 1,598,426 alleles (0.001%); highest among the groups gnomAD compares: South Asian, 0.014%; no homozygotes.

Submission:

Labcorp Genetics (formerly Invitae), Labcorp
Classification: Uncertain significance. Last evaluated: 2023-08-17. Review status: criteria provided, single submitter. Criteria: Invitae Variant Classification Sherloc (09022015). Collection method: clinical testing. Allele origin: germline.
Comment: In summary, the available evidence is currently insufficient to determine the role of this variant in disease. Therefore, it has been classified as a Variant of Uncertain Significance. An algorithm developed to predict the effect of missense changes on protein structure and function (PolyPhen-2) suggests that this variant is likely to be tolerated. This variant has not been reported in the literature in individuals affected with BCL11B-related conditions. This variant is present in population databases (rs558453694, gnomAD 0.03%). This sequence change replaces leucine, which is neutral and non-polar, with phenylalanine, which is neutral and non-polar, at codon 177 of the BCL11B protein (p.Leu177Phe).